The following is an entry in ClinVar:

NM_018444.4(PDP1):c.1228G>T (p.Asp410Tyr)

Gene: PDP1 (pyruvate dehydrogenase phosphatase catalytic subunit 1; plus strand). Cytogenetic location: 8q22.1.
Variant type: single nucleotide variant.
Coding change: c.1228G>T on transcript NM_018444.4 (MANE Select); coding-DNA position 1228, G replaced by T.
Protein change: p.Asp410Tyr; replaces aspartic acid 410 with tyrosine.
Molecular consequence: missense variant.
Genome position (GRCh38, 1-based): chr8:93,923,287, G>T. VCF-style: chr8-93923287-G-T. GRCh37 (hg19) VCF-style: chr8-94935515-G-T.
Other names: c.1303G>T, p.Asp435Tyr (NM_001161779.2, NM_001161780.2); c.1228G>T, p.Asp410Tyr (NM_001161781.2); short protein forms D410Y, D435Y.
Identifiers: ClinVar variation 1691215 (VCV001691215.2), dbSNP rs369447724, ClinGen allele CA4808795.

ClinVar aggregate classification (germline): Uncertain significance (1 of 4 stars; one submission).

Allele frequency attached by ClinVar (database versions not stated): gnomAD 0.00001; gnomAD exomes 0.00001 and 0.00004; TOPMed 0.00001; ExAC 0.00002; ESP Exome Variant Server 0.00008.
gnomAD v4.1: 24 of 1,614,060 alleles (0.0015%); highest among the groups gnomAD compares: Non-Finnish European, 0.00017%; no homozygotes.

Submission:

GeneDx
Classification: Uncertain significance. Last evaluated: 2022-05-23. Review status: criteria provided, single submitter. Criteria: GeneDx Variant Classification Process June 2021. Collection method: clinical testing. Allele origin: germline. Affected: yes.
Comment: In silico analysis supports that this missense variant has a deleterious effect on protein structure/function; Has not been previously published as pathogenic or benign to our knowledge